The following is an entry in ClinVar:

NM_001814.6(CTSC):c.562A>G (p.Thr188Ala)

Gene: CTSC (cathepsin C; minus strand). Cytogenetic location: 11q14.2.
Variant type: single nucleotide variant.
Coding change: c.562A>G on transcript NM_001814.6 (MANE Select); coding-DNA position 562, A replaced by G.
Protein change: p.Thr188Ala; replaces threonine 188 with alanine.
Molecular consequence: missense variant.
Genome position (GRCh38, 1-based): chr11:88,309,242, T>C on the plus strand (A>G on the coding strand, the complement: CTSC is on the minus strand). VCF-style: chr11-88309242-T-C. GRCh37 (hg19) VCF-style: chr11-88042410-T-C.
Other names: c.562A>G (NM_001814.4); short protein forms T188A.
Identifiers: ClinVar variation 1431701 (VCV001431701.6), dbSNP rs374844651, ClinGen allele CA6219921.

ClinVar aggregate classification (germline): Uncertain significance. Review status: criteria provided, multiple submitters, no conflicts (2 of 4 stars). 2 submissions from 2 submitters: Uncertain significance (2). Last evaluated 2025-04-09.

Conditions:
Inborn genetic diseases. Identifiers: MedGen C0950123, MeSH D030342.
Papillon-Lefèvre syndrome (PALS). Also called: KERATOSIS PALMOPLANTARIS WITH PERIODONTOPATHIA; Papillon-Lefevre Disease. Identifiers: Orphanet 678, MedGen C0030360, MONDO:0009490, OMIM 245000.
Periodontitis, aggressive. Identifiers: MedGen C0031106, MONDO:0980757.
Haim-Munk syndrome (HMS). Also called: COCHIN JEWISH DISORDER; KERATOSIS PALMOPLANTARIS WITH PERIODONTOPATHIA AND ONYCHOGRYPOSIS. Identifiers: Orphanet 2342, MedGen C1855627, MONDO:0009491, OMIM 245010.

Allele frequency attached by ClinVar (database versions not stated): ESP Exome Variant Server 0.00008; gnomAD 0.00004; gnomAD exomes below 0.00001; ExAC 0.00003; TOPMed 0.00005.
gnomAD v4.1: 8 of 1,613,742 alleles (0.0005%); highest among the groups gnomAD compares: African/African-American, 0.011%; no homozygotes.

Submissions (2):

Ambry Genetics
Classification: Uncertain significance for Inborn genetic diseases. Last evaluated: 2025-04-09. Review status: criteria provided, single submitter. Criteria: Ambry Variant Classification Scheme 2023. Collection method: clinical testing. Allele origin: germline.

Labcorp Genetics (formerly Invitae), Labcorp
Classification: Uncertain significance for Haim-Munk syndrome; Periodontitis, aggressive; Papillon-Lefèvre syndrome. Last evaluated: 2024-02-24. Review status: criteria provided, single submitter. Criteria: Invitae Variant Classification Sherloc (09022015). Collection method: clinical testing. Allele origin: germline.
Comment: This sequence change replaces threonine, which is neutral and polar, with alanine, which is neutral and non-polar, at codon 188 of the CTSC protein (p.Thr188Ala). This variant is present in population databases (rs374844651, gnomAD 0.02%). This variant has not been reported in the literature in individuals affected with CTSC-related conditions. ClinVar contains an entry for this variant (Variation ID: 1431701). Advanced modeling of protein sequence and biophysical properties (such as structural, functional, and spatial information, amino acid conservation, physicochemical variation, residue mobility, and thermodynamic stability) performed at Invitae indicates that this missense variant is not expected to disrupt CTSC protein function with a negative predictive value of 80%. In summary, the available evidence is currently insufficient to determine the role of this variant in disease. Therefore, it has been classified as a Variant of Uncertain Significance.